The following is an entry in ClinVar:

NM_001127392.3(MYRF):c.2248-5C>T

Gene: MYRF (myelin regulatory factor; plus strand). Cytogenetic location: 11q12.2.
Variant type: single nucleotide variant.
Coding change: c.2248-5C>T on transcript NM_001127392.3 (MANE Select); 5 bases into the intron before coding-DNA position 2248, C replaced by T.
Molecular consequence: intron variant.
Genome position (GRCh38, 1-based): chr11:61,779,837, C>T. VCF-style: chr11-61779837-C-T. GRCh37 (hg19) VCF-style: chr11-61547309-C-T.
Other names: c.2221-5C>T (NM_013279.4).
Identifiers: ClinVar variation 4851332 (VCV004851332.1).

ClinVar aggregate classification (germline): Likely benign (1 of 4 stars; one submission).

Conditions:
Cardiac-urogenital syndrome (CUGS). Also called: MYRF-Related Cardiac Urogenital Syndrome. Identifiers: Orphanet 647811, MedGen C4748946, MONDO:0032653, OMIM 618280.

gnomAD v4.1: 8 of 1,613,402 alleles (0.0005%); highest among the groups gnomAD compares: South Asian, 0.0077%; no homozygotes.

Submission:

Centre for Medical Genetics,  Mumbai
Classification: Likely benign for Cardiac-urogenital syndrome. Last evaluated: 2026-04-07. Review status: criteria provided, single submitter. Criteria: ACMG Guidelines, 2015. Collection method: provider interpretation. Allele origin: germline. Inheritance: Autosomal dominant inheritance. Affected: no. Observed: 1 variant allele, 1 heterozygote.
Comment: The variant satisfies PM2 criteria - extremely low frequency in gnomAD population databases. The variant satisfies BP4 criteria - for a missense or a splice region variant, computational prediction tools unanimously support a benign effect on the gene. However, the variant satisfies BS2 criteria - present in heterozygous state in an individual that clinically does not have cardiac-urogenital syndrome

Literature cited by the submitters: PubMed 29446546.